The following is an entry in ClinVar:

ClinVar aggregate classification (germline): Pathogenic/Likely pathogenic. Review status: criteria provided, multiple submitters, no conflicts (2 of 4 stars). 2 submissions from 2 submitters: Pathogenic (1); Likely pathogenic (1). Last evaluated 2025-02-16.

Conditions:
Alstrom syndrome (ALMS). Identifiers: Orphanet 64, MedGen C0268425, MONDO:0008763, OMIM 203800.

Submissions (2):

Natera, Inc.
Classification: Likely pathogenic for Alstrom syndrome. Last evaluated: 2025-02-16. Review status: criteria provided, single submitter. Criteria: Natera Variant Classification Schema (03/2026). Collection method: clinical testing. Allele origin: germline.
Comment: The c.6850dup variant in ALMS1 is a frameshift variant predicted to shift the reading frame beginning at codon 2284 and leads to a stop codon 8 codons downstream. This variant is expected to result in nonsense mediated decay, truncation, or a dysfunctional protein product. This variant is rare in the general population with a frequency below the threshold expected for the associated phenotype(s). Given the available evidence, this variant is classified as Likely Pathogenic.

Labcorp Genetics (formerly Invitae), Labcorp
Classification: Pathogenic for Alstrom syndrome. Last evaluated: 2018-02-08. Review status: criteria provided, single submitter. Criteria: Invitae Variant Classification Sherloc (09022015). Collection method: clinical testing. Allele origin: germline.
Comment: This variant is not present in population databases (ExAC no frequency). For these reasons, this variant has been classified as Pathogenic. Loss-of-function variants in ALMS1 are known to be pathogenic (PMID: 17594715). This variant has not been reported in the literature in individuals with ALMS1-related disease. This sequence change creates a premature translational stop signal (p.Leu2284Profs*8) in the ALMS1 gene. It is expected to result in an absent or disrupted protein product.

Literature cited by the submitters: PubMed 17594715 (cited by Labcorp Genetics (formerly Invitae), Labcorp).

NM_001378454.1(ALMS1):c.6847dup (p.Leu2283fs)

Gene: ALMS1 (ALMS1 centrosome and basal body associated protein; plus strand). Cytogenetic location: 2p13.1.
Variant type: Duplication.
Coding change: c.6847dup on transcript NM_001378454.1 (MANE Select); coding-DNA position 6847, one base duplicated (C; older notation c.6847dupC).
Protein change: p.Leu2283fs; shifts the reading frame from leucine 2283.
Molecular consequence: frameshift variant.
Genome position (GRCh38, 1-based): chr2:73,453,374, C duplicated; the last of 4 consecutive C bases (chr2:73,453,371-73,453,374); duplicating any one gives the same sequence. VCF-style (leftmost placement, unchanged base first): chr2-73453370-T-TC. GRCh37 (hg19) VCF-style: chr2-73680497-T-TC.
Other names: c.6850dup, p.Leu2284fs (NM_015120.4); short protein forms L2284fs, L2283fs.
Identifiers: ClinVar variation 583303 (VCV000583303.8), dbSNP rs1558651349, ClinGen allele CA891843449.
Genomic context (GRCh38, chr2:73,453,370, plus strand): 5'-AATTCGGACACTTTTGATGGAGGCAGAAAATATGGCACTGAAACGATGCAATTTTCCTGC[T>TC]CCCCTTGCCCGTTTCAGAGATATTAGTGATATTTCATTTATACAATCTAAGAAGGTGGTT-3'